The following is an entry in ClinVar:

ClinVar aggregate classification (germline): Uncertain significance (1 of 4 stars; one submission).

Submission:

Labcorp Genetics (formerly Invitae), Labcorp
Classification: Uncertain significance. Last evaluated: 2024-07-12. Review status: criteria provided, single submitter. Criteria: Invitae Variant Classification Sherloc (09022015). Collection method: clinical testing. Allele origin: germline.
Comment: This sequence change replaces threonine, which is neutral and polar, with alanine, which is neutral and non-polar, at codon 320 of the CD46 protein (p.Thr320Ala). This variant is not present in population databases (gnomAD no frequency). This variant has not been reported in the literature in individuals affected with CD46-related conditions. An algorithm developed to predict the effect of missense changes on protein structure and function outputs the following: PolyPhen-2: "Possibly Damaging". The alanine amino acid residue is found in multiple mammalian species, which suggests that this missense change does not adversely affect protein function. In summary, the available evidence is currently insufficient to determine the role of this variant in disease. Therefore, it has been classified as a Variant of Uncertain Significance.

NM_172351.3(CD46):c.913A>G (p.Thr305Ala)

Gene: CD46 (CD46 molecule; plus strand). Cytogenetic location: 1q32.2.
Variant type: single nucleotide variant.
Coding change: c.913A>G on transcript NM_172351.3 (MANE Select); coding-DNA position 913, A replaced by G.
Protein change: p.Thr305Ala; replaces threonine 305 with alanine.
Molecular consequence: missense variant. On other transcripts: intron variant (4).
Genome position (GRCh38, 1-based): chr1:207,770,332, A>G. VCF-style: chr1-207770332-A-G. GRCh37 (hg19) VCF-style: chr1-207943677-A-G.
Other names: c.958A>G, p.Thr320Ala (NM_002389.4, NM_172359.3); c.913A>G, p.Thr305Ala (NM_153826.4, NM_172358.3); c.868A>G, p.Thr290Ala (NM_172350.3, NM_172352.3, NM_172353.3); c.901+2509A>G (NM_172355.3, NM_172356.3); c.856+3137A>G (NM_172357.3, NM_172361.3); short protein forms T305A, T290A, T320A.
Identifiers: ClinVar variation 3659302 (VCV003659302.2).